The following is an entry in ClinVar:

NM_001094.5(ASIC2):c.390C>G (p.Asp130Glu)

Genes: ASIC2 (acid sensing ion channel subunit 2; minus strand), LOC105371735 (uncharacterized LOC105371735; plus strand). Cytogenetic location: 17q12.
Variant type: single nucleotide variant.
Coding change: c.390C>G on transcript NM_001094.5; coding-DNA position 390, C replaced by G.
Protein change: p.Asp130Glu; replaces aspartic acid 130 with glutamic acid.
Molecular consequence: missense variant. On other transcripts: non-coding transcript variant (1).
Genome position (GRCh38, 1-based): chr17:34,156,143, G>C on the plus strand (C>G on the coding strand, the complement: ASIC2 is on the minus strand). VCF-style: chr17-34156143-G-C. GRCh37 (hg19) VCF-style: chr17-32483162-G-C.
Other names: short protein forms D130E.
Identifiers: ClinVar variation 3789614 (VCV003789614.1).

ClinVar aggregate classification (germline): Uncertain significance (1 of 4 stars; one submission).

gnomAD v4.1: 6 of 1,613,966 alleles (0.00037%); highest among the groups gnomAD compares: African/African-American, 0.0053%; no homozygotes.

Submission:

Ambry Genetics
Classification: Uncertain significance. Last evaluated: 2025-01-27. Review status: criteria provided, single submitter. Criteria: Ambry Variant Classification Scheme 2023. Collection method: clinical testing. Allele origin: germline.
Comment: The c.390C>G (p.D130E) alteration is located in exon (coding exon ) of the ASIC2 gene. This alteration results from a C to G substitution at nucleotide position 390, causing the aspartic acid (D) at amino acid position 130 to be replaced by a glutamic acid (E). Based on insufficient or conflicting evidence, the clinical significance of this alteration remains unclear.